The following is an entry in ClinVar:

NM_020800.3(IFT80):c.440-18T>A

Genes: IFT80 (intraflagellar transport 80; minus strand), TRIM59-IFT80 (TRIM59-IFT80 readthrough (NMD candidate); minus strand). Cytogenetic location: 3q25.33.
Variant type: single nucleotide variant.
Coding change: c.440-18T>A on transcript NM_020800.3 (MANE Select); 18 bases into the intron before coding-DNA position 440, T replaced by A.
Molecular consequence: intron variant.
Genome position (GRCh38, 1-based): chr3:160,366,170, A>T on the plus strand (T>A on the coding strand, the complement: IFT80 is on the minus strand). VCF-style: chr3-160366170-A-T. GRCh37 (hg19) VCF-style: chr3-160083958-A-T.
Other names: c.29-18T>A (NM_001190241.2, NM_001190242.2).
Identifiers: ClinVar variation 1938209 (VCV001938209.2), dbSNP rs756462482, ClinGen allele CA901543088.

ClinVar aggregate classification (germline): Uncertain significance (1 of 4 stars; one submission).

Conditions:
Jeune thoracic dystrophy. Also called: Jeune syndrome; Infantile thoracic dystrophy; Thoracic pelvic phalangeal dystrophy; Jeune's syndrome; Chondroectodermal dysplasia-like syndrome; Short-rib thoracic dysplasia. Identifiers: Orphanet 474, MedGen C0265275, MONDO:0018770.

gnomAD v4.1: 33 of 1,380,922 alleles (0.0024%); highest among the groups gnomAD compares: Non-Finnish European, 0.0033%; no homozygotes.

Submission:

Labcorp Genetics (formerly Invitae), Labcorp
Classification: Uncertain significance for Jeune thoracic dystrophy. Last evaluated: 2022-08-02. Review status: criteria provided, single submitter. Criteria: Invitae Variant Classification Sherloc (09022015). Collection method: clinical testing. Allele origin: germline.
Comment: This sequence change falls in intron 5 of the IFT80 gene. It does not directly change the encoded amino acid sequence of the IFT80 protein. This variant is not present in population databases (gnomAD no frequency). This variant has not been reported in the literature in individuals affected with IFT80-related conditions. Algorithms developed to predict the effect of sequence changes on RNA splicing suggest that this variant may disrupt the consensus splice site. In summary, the available evidence is currently insufficient to determine the role of this variant in disease. Therefore, it has been classified as a Variant of Uncertain Significance.